The following is an entry in ClinVar:

ClinVar aggregate classification (germline): Conflicting classifications of pathogenicity. Review status: criteria provided, conflicting classifications (1 of 4 stars). 4 submissions from 4 submitters: Uncertain significance (1); Benign (1); Likely benign (1). 1 of the submissions does not count toward it. Last evaluated 2026-02-02.

Conditions:
ADAMTSL4-related disorder. Also called: ADAMTSL4-Related Disorders; ADAMTSL4-related condition.
Ectopia lentis 2, isolated, autosomal recessive (ECTOL2). Identifiers: Orphanet 1885, MedGen C3541474, MONDO:0009152, OMIM 225100.

Allele frequency attached by ClinVar (database versions not stated): gnomAD exomes 0.00029 and 0.00060; ExAC 0.00081; ESP Exome Variant Server 0.00169; gnomAD 0.00185; TOPMed 0.00234; 1000 Genomes Project 30x 0.00281; 1000 Genomes Project 0.00300.
gnomAD v4.1: 766 of 1,613,872 alleles (0.047%); highest among the groups gnomAD compares: African/African-American, 0.77%; 2 homozygotes.

Submissions (4):

Labcorp Genetics (formerly Invitae), Labcorp
Classification: Benign. Last evaluated: 2026-02-02. Review status: criteria provided, single submitter. Criteria: Invitae Variant Classification Sherloc (09022015). Collection method: clinical testing. Allele origin: germline.

GeneDx
Classification: Uncertain significance. Last evaluated: 2022-05-17. Review status: criteria provided, single submitter. Criteria: GeneDx Variant Classification Process June 2021. Collection method: clinical testing. Allele origin: germline. Affected: yes.
Comment: In silico analysis supports that this missense variant does not alter protein structure/function

Illumina Laboratory Services, Illumina
Classification: Likely benign for Ectopia lentis 2, isolated, autosomal recessive. Last evaluated: 2018-01-13. Review status: criteria provided, single submitter. Criteria: ICSL Variant Classification Criteria 13 December 2019. Collection method: clinical testing. Allele origin: germline.
Comment: This variant was observed in the ICSL laboratory as part of a predisposition screen in an ostensibly healthy population. It had not been previously curated by ICSL or reported in the Human Gene Mutation Database (HGMD: prior to June 1st, 2018), and was therefore a candidate for classification through an automated scoring system. Utilizing variant allele frequency, disease prevalence and penetrance estimates, and inheritance mode, an automated score was calculated to assess if this variant is too frequent to cause the disease. Based on the score and internal cut-off values, a variant classified as likely benign is not then subjected to further curation. The score for this variant resulted in a classification of likely benign for this disease.

PreventionGenetics, part of Exact Sciences
Classification: Likely benign for ADAMTSL4-related condition. Last evaluated: 2020-06-15. Review status: no assertion criteria provided. Collection method: clinical testing. Allele origin: germline. Not counted in ClinVar's aggregate classification.
Comment: This variant is classified as likely benign based on ACMG/AMP sequence variant interpretation guidelines (Richards et al. 2015 PMID: 25741868, with internal and published modifications).

NM_019032.6(ADAMTSL4):c.584C>T (p.Pro195Leu)

Genes: ADAMTSL4 (ADAMTS like 4; plus strand), ADAMTSL4-AS2 (ADAMTSL4 antisense RNA 2; minus strand). Cytogenetic location: 1q21.2.
Variant type: single nucleotide variant.
Coding change: c.584C>T on transcript NM_019032.6 (MANE Select); coding-DNA position 584, C replaced by T.
Protein change: p.Pro195Leu; replaces proline 195 with leucine.
Molecular consequence: missense variant.
Genome position (GRCh38, 1-based): chr1:150,553,575, C>T. VCF-style: chr1-150553575-C-T. GRCh37 (hg19) VCF-style: chr1-150526051-C-T.
Other names: c.584C>T, p.Pro195Leu (NM_001288607.2, NM_001288608.2, NM_001378596.1 and 1 more transcripts); short protein forms P195L.
Identifiers: ClinVar variation 292521 (VCV000292521.15), dbSNP rs139990606, ClinGen allele CA1077992.